The following is an entry in ClinVar:

NM_002471.4(MYH6):c.2383C>T (p.Arg795Trp)

Gene: MYH6 (myosin heavy chain 6; minus strand). Cytogenetic location: 14q11.2.
Variant type: single nucleotide variant.
Coding change: c.2383C>T on transcript NM_002471.4 (MANE Select); coding-DNA position 2383, C replaced by T.
Protein change: p.Arg795Trp; replaces arginine 795 with tryptophan.
Molecular consequence: missense variant.
Genome position (GRCh38, 1-based): chr14:23,396,330, G>A on the plus strand (C>T on the coding strand, the complement: MYH6 is on the minus strand). VCF-style: chr14-23396330-G-A. GRCh37 (hg19) VCF-style: chr14-23865539-G-A.
Other names: short protein forms R795W.
Identifiers: ClinVar variation 470512 (VCV000470512.27), dbSNP rs202120238, ClinGen allele CA7115483.

ClinVar aggregate classification (germline): Conflicting classifications of pathogenicity. Review status: criteria provided, conflicting classifications (1 of 4 stars). 8 submissions from 8 submitters: Uncertain significance (7); Likely benign (1). Last evaluated 2026-08-28.

Conditions:
MYH6-related disorder. Also called: MYH6-Related Disorders; MYH6-related condition.
Cardiovascular phenotype. Identifiers: MedGen CN230736.
Atrial septal defect 3 (ASD3). Identifiers: Orphanet 1478, MedGen C3279790, MONDO:0013567, OMIM 614089.
Dilated cardiomyopathy 1EE (CMD1EE). Identifiers: Orphanet 154, MedGen C2750466, MONDO:0013198, OMIM 613252.
Hypertrophic cardiomyopathy 14. Identifiers: MedGen C2750467, MONDO:0013197, OMIM 613251.
Sick sinus syndrome 3, susceptibility to (SSS3). Identifiers: Orphanet 166282, MedGen C3279791, MONDO:0013568, OMIM 614090.
Hypertrophic cardiomyopathy 1 (CMH1). Also called: Familial hypertrophic cardiomyopathy 1; MYH7-Related Familial Hypertrophic Cardiomyopathy. Identifiers: MedGen C3495498, MONDO:0008647, OMIM 192600.
Cardiomyopathy (CMYO). Also called: Cardiomyopathies. Identifiers: Orphanet 167848, MedGen C0878544, MONDO:0004994, HP:0001638. Inheritance: Various modes of inheritance.

Allele frequency attached by ClinVar (database versions not stated): ExAC 0.00007; ESP Exome Variant Server 0.00008; gnomAD exomes 0.00010; TOPMed 0.00011; gnomAD 0.00013 and 0.00014; 1000 Genomes Project 0.00040; 1000 Genomes Project 30x 0.00047.
gnomAD v4.1: 258 of 1,614,090 alleles (0.016%); highest among the groups gnomAD compares: Non-Finnish European, 0.021%; no homozygotes.

Submissions (8):

PreventionGenetics, part of Exact Sciences
Classification: Uncertain significance for MYH6-related condition. Last evaluated: 2026-08-28. Review status: criteria provided, single submitter. Criteria: ACMG Guidelines, 2015. Collection method: clinical testing. Allele origin: germline.
Comment: The MYH6 c.2383C>T variant is predicted to result in the amino acid substitution p.Arg795Trp. This variant has been reported in individuals with hypoplastic left heart syndrome, sudden cardiac arrest, or aortic coarctation (Tomita-Mitchell et al. 2016. PubMed ID: 27789736; Asatryan et al. 2019. PubMed ID: 30975432; proband DP63 in Tables S2 and S5, Meerschaut et al. 2022. PubMed ID: 35885997). This variant is reported in 0.020% of alleles in individuals of European (Non-Finnish) descent in gnomAD. At this time, the clinical significance of this variant is uncertain due to the absence of conclusive functional and genetic evidence.

Labcorp Genetics (formerly Invitae), Labcorp
Classification: Uncertain significance for Hypertrophic cardiomyopathy 14. Last evaluated: 2026-01-28. Review status: criteria provided, single submitter. Criteria: Invitae Variant Classification Sherloc (09022015). Collection method: clinical testing. Allele origin: germline.
Comment: This sequence change replaces arginine, which is basic and polar, with tryptophan, which is neutral and slightly polar, at codon 795 of the MYH6 protein (p.Arg795Trp). This variant is present in population databases (rs202120238, gnomAD 0.02%). This missense change has been observed in individual(s) with MYH6-related conditions (PMID: 27789736, 28082330, 30975432). ClinVar contains an entry for this variant (Variation ID: 470512). Invitae Evidence Modeling of protein sequence and biophysical properties (such as structural, functional, and spatial information, amino acid conservation, physicochemical variation, residue mobility, and thermodynamic stability) indicates that this missense variant is expected to disrupt MYH6 protein function with a positive predictive value of 80%. In summary, the available evidence is currently insufficient to determine the role of this variant in disease. Therefore, it has been classified as a Variant of Uncertain Significance.

Ambry Genetics
Classification: Uncertain significance for Cardiovascular phenotype. Last evaluated: 2025-02-20. Review status: criteria provided, single submitter. Criteria: Ambry Variant Classification Scheme 2023. Collection method: clinical testing. Allele origin: germline.
Comment: The p.R795W variant (also known as c.2383C>T), located in coding exon 18 of the MYH6 gene, results from a C to T substitution at nucleotide position 2383. The arginine at codon 795 is replaced by tryptophan, an amino acid with dissimilar properties. This alteration has been reported in a hypoplastic left heart syndrome cohort, but clinical details were limited (Tomita-Mitchell A et al. Physiol. Genomics, 2016 12;48:912-921). This alteration has also been reported in a sudden cardiac arrest cohort (Asatryan B et al. Am J Cardiol, 2019 06;123:2031-2038). This variant was also reported in a pediatric cardiomyopathy cohort (Ware SM et al. Am J Hum Genet, 2022 Feb;109:282-298). This amino acid position is highly conserved in available vertebrate species. In addition, this alteration is predicted to be deleterious by in silico analysis. Since supporting evidence is limited at this time, the clinical significance of this alteration remains unclear.

Women's Health and Genetics/Laboratory Corporation of America, LabCorp
Classification: Uncertain significance. Last evaluated: 2025-01-24. Review status: criteria provided, single submitter. Criteria: LabCorp Variant Classification Summary - May 2015. Collection method: clinical testing. Allele origin: germline.
Comment: Variant summary: MYH6 c.2383C>T (p.Arg795Trp) results in a non-conservative amino acid change in the encoded protein sequence. Five of five in-silico tools predict a damaging effect of the variant on protein function. The variant allele was found at a frequency of 9.9e-05 in 251340 control chromosomes. The observed variant frequency is approximately 4 fold of the estimated maximal expected allele frequency for a pathogenic variant in MYH6 causing Cardiomyopathy phenotype (2.5e-05). c.2383C>T has been reported in the literature in an individual affected with hypoplastic left heart syndrome and in a survivor of sudden cardiac arrest due to exercise-related mitral valve prolapse (e.g. Tomita-Mitchell_2016, Asatryan_2019). These report(s) do not provide unequivocal conclusions about association of the variant with Cardiomyopathy. To our knowledge, no experimental evidence demonstrating an impact on protein function has been reported. The following publications have been ascertained in the context of this evaluation (PMID: 27789736, 28082330, 30975432). ClinVar contains an entry for this variant (Variation ID: 470512). Based on the evidence outlined above, the variant was classified as VUS-possibly benign.

Blueprint Genetics
Classification: Likely benign. Last evaluated: 2023-09-13. Review status: criteria provided, single submitter. Criteria: ACMG Guidelines, 2015. Collection method: clinical testing. Allele origin: germline.

Fulgent Genetics
Classification: Uncertain significance for Hypertrophic cardiomyopathy 1; Hypertrophic cardiomyopathy 14; Dilated cardiomyopathy 1EE; Atrial septal defect 3; Sick sinus syndrome 3, susceptibility to. Last evaluated: 2021-09-07. Review status: criteria provided, single submitter. Criteria: ACMG Guidelines, 2015. Collection method: clinical testing. Allele origin: unknown.

GeneDx
Classification: Uncertain significance. Last evaluated: 2021-05-14. Review status: criteria provided, single submitter. Criteria: GeneDx Variant Classification Process June 2021. Collection method: clinical testing. Allele origin: germline. Affected: yes.
Comment: Reported in a proband with hypoplastic left heart syndrome (Tomita-Mitchell et al., 2016) and in a proband with mitral valve prolapse and a history of sudden cardiac arrest in the published literature (Asatryan et al., 2019); In silico analysis, which includes protein predictors and evolutionary conservation, supports a deleterious effect; Reported in ClinVar as a variant of uncertain significance (ClinVar Variant ID# 470512; Landrum et al., 2016); This variant is associated with the following publications: (PMID: 30975432, 27789736)

CHEO Genetics Diagnostic Laboratory, Children's Hospital of Eastern Ontario
Classification: Uncertain significance for Cardiomyopathy. Last evaluated: 2017-08-02. Review status: criteria provided, single submitter. Criteria: ACMG Guidelines, 2015. Collection method: clinical testing. Allele origin: germline. Study: Canadian Open Genetics Repository.

Literature cited by the submitters: PubMed 27789736 (cited by 3 submitters); PubMed 28082330 (cited by Labcorp Genetics (formerly Invitae), Labcorp and Women's Health and Genetics/Laboratory Corporation of America, LabCorp); PubMed 30975432 (cited by 3 submitters); PubMed 35026164 (cited by Ambry Genetics).